The following is an entry in ClinVar:

NM_001130987.2(DYSF):c.797G>A (p.Gly266Glu)

Gene: DYSF (dysferlin; plus strand). Cytogenetic location: 2p13.2.
Variant type: single nucleotide variant.
Coding change: c.797G>A on transcript NM_001130987.2 (MANE Select); coding-DNA position 797, G replaced by A.
Protein change: p.Gly266Glu; replaces glycine 266 with glutamic acid.
Molecular consequence: missense variant.
Genome position (GRCh38, 1-based): chr2:71,515,660, G>A. VCF-style: chr2-71515660-G-A. GRCh37 (hg19) VCF-style: chr2-71742790-G-A.
Other names: NM_001130987.2(DYSF):c.797G>A; p.Gly266Glu; c.704G>A, p.Gly235Glu (NM_001130455.2, NM_001130983.2, NM_001130984.2 and 1 more transcripts); c.701G>A, p.Gly234Glu (NM_001130976.2, NM_001130977.2, NM_001130978.2 and 1 more transcripts); c.794G>A, p.Gly265Glu (NM_001130979.2, NM_001130980.2, NM_001130981.2); c.797G>A, p.Gly266Glu (NM_001130982.2, NM_001130985.2); short protein forms G234E, G266E, G235E, G265E.
Identifiers: ClinVar variation 198495 (VCV000198495.22), dbSNP rs141497053, ClinGen allele CA275400.

ClinVar aggregate classification (germline): Pathogenic. Review status: reviewed by expert panel (3 of 4 stars). 10 submissions from 10 submitters: Pathogenic (1). 9 of the submissions do not count toward it. Last evaluated 2026-01-23.

Conditions:
Autosomal recessive limb-girdle muscular dystrophy type 2B (LGMDR2). Also called: Limb-girdle muscular dystrophy, type 2B; MUSCULAR DYSTROPHY, LIMB-GIRDLE, AUTOSOMAL RECESSIVE 2; Limb-Girdle Muscular Dystrophy Type 2B (LGMD2B); MUSCULAR DYSTROPHY, LIMB-GIRDLE, TYPE 3. Identifiers: Orphanet 268, MedGen C1850889, MONDO:0009676, OMIM 253601.
Distal myopathy with anterior tibial onset. Identifiers: Orphanet 178400, MedGen C1847532, MONDO:0011721, OMIM 606768.
Miyoshi muscular dystrophy 1 (MMD1). Identifiers: Orphanet 45448, MedGen C4551973, MONDO:0024545, OMIM 254130.
Neuromuscular disease caused by qualitative or quantitative defects of dysferlin. Also called: Dysferlinopathy; Qualitative or quantitative defects of dysferlin. Identifiers: Orphanet 207073, MedGen C2931687, MONDO:0016145.
Autosomal recessive limb-girdle muscular dystrophy. Identifiers: Orphanet 102015, MedGen C2931907, MONDO:0015152.

Allele frequency attached by ClinVar (database versions not stated): ExAC 0.00002; ESP Exome Variant Server 0.00008; TOPMed 0.00009; gnomAD exomes 0.00001 and 0.00004; gnomAD 0.00003.
gnomAD v4.1: 24 of 1,613,880 alleles (0.0015%); highest among the groups gnomAD compares: Admixed American, 0.012%; no homozygotes.

Submissions (10):

ClinGen Limb Girdle Muscular Dystrophy Variant Curation Expert Panel, ClinGen
Classification: Pathogenic for Autosomal recessive limb-girdle muscular dystrophy. Last evaluated: 2026-01-23. Review status: reviewed by expert panel. Criteria: ClinGen LGMD VCEP ACMG Specifications DYSF V2.0.0. Collection method: curation. Allele origin: germline. Inheritance: Autosomal recessive inheritance.
Comment: The NM_003494.4: c.701G>A variant in DYSF, which is also known as NM_001130987.2: c.797G>A p.(Gly266Glu), is a missense variant predicted to cause substitution of glycine by glutamic acid at amino acid 234, p.(Gly234Glu). This variant has been reported in at least seven patients with features overlapping LGMD (PMID: 18853459, 22194990, 38357254, 30564623, Jain Foundation Registry internal data communication), including in unknown phase with a second pathogenic variant in four individuals (c.3137G>A p.(Arg1046His), 0.5 pts, c.1555G>A p.(Gly519Arg), 0.5 pts, PMID: 21522182, LOVD individuals #00220647 and #00220234, respectively; c.5979dupA p.(Glu1994ArgfsTer3), 0.5 pts, c.5429G>A p.(Arg1810Lys), 0.5 pts, Jain Foundation Dysferlin Registry internal data communication) (PM3_Strong). At least one of these patients with two presumed diagnostic variants and clinical features of LGMD had absent dysferlin expression in muscle or blood monocytes, which is highly specific for DYSF-related LGMD (PMID: 18853459, 22194990; PP4_Strong). The Grpmax allele frequency of this variant is 0.0001167 in gnomAD v4.1.0 (7/59982 Admixed American chromosomes), which is greater than the LGMD VCEP threshold (≤0.0001) (PM2_Supporting not met). Immunofluorescence and 2-A assays of dysferlin membrane localization in HEK293T cells showed the Gly234Glu protein did not reach the cell membrane, indicating an impact on protein function (PMID: 35028538) (PS3_Moderate). The computational predictor REVEL gives a score of 0.64 (PP3 and BP4 not met). In summary, this variant meets the criteria to be classified as Pathogenic for autosomal recessive limb girdle muscular dystrophy based on the ACMG/AMP criteria applied, as specified by the ClinGen LGMD VCEP (LGMD VCEP specifications version 2.0.0; 01/23/2026): PM3_Strong, PP4_Strong, PS3_Moderate.

Labcorp Genetics (formerly Invitae), Labcorp
Classification: Pathogenic for Neuromuscular disease caused by qualitative or quantitative defects of dysferlin. Last evaluated: 2026-01-28. Review status: criteria provided, single submitter. Criteria: Invitae Variant Classification Sherloc (09022015). Collection method: clinical testing. Allele origin: germline. Not counted in ClinVar's aggregate classification.
Comment: This sequence change replaces glycine, which is neutral and non-polar, with glutamic acid, which is acidic and polar, at codon 234 of the DYSF protein (p.Gly234Glu). This variant is present in population databases (rs141497053, gnomAD 0.01%). This missense change has been observed in individual(s) with DYSF-related conditions (PMID: 17070050, 18853459, 33610434). ClinVar contains an entry for this variant (Variation ID: 198495). Invitae Evidence Modeling of protein sequence and biophysical properties (such as structural, functional, and spatial information, amino acid conservation, physicochemical variation, residue mobility, and thermodynamic stability) has been performed for this missense variant. However, the output from this modeling did not meet the statistical confidence thresholds required to predict the impact of this variant on DYSF protein function. For these reasons, this variant has been classified as Pathogenic.

Dasa
Classification: Likely pathogenic. Last evaluated: 2025-09-02. Review status: criteria provided, single submitter. Criteria: DASA Assertion Criteria. Collection method: clinical testing. Allele origin: germline. Not counted in ClinVar's aggregate classification.
Comment: NM_001130987.2(DYSF):c.797G>A (p.Gly266Glu) is a missense variant that results in the substitution of glycine with glutamic acid. This variant has been recurrently observed in individuals with related phenotype (PMID: 33927379; PMID: 27602406). Multiple computational predictions support a deleterious effect on the gene or gene product. The variant is present at low frequency in population datasets. Based on the available data, this variant is classified as likely pathogenic.

Natera, Inc.
Classification: Likely pathogenic for Limb-girdle muscular dystrophy type 2B. Last evaluated: 2025-07-10. Review status: criteria provided, single submitter. Criteria: Natera Variant Classification Schema (03/2026). Collection method: clinical testing. Allele origin: germline. Not counted in ClinVar's aggregate classification.
Comment: The c.701G>A variant in DYSF is a missense variant predicted to cause substitution of glycine to glutamic acid at amino acid 234. This variant is rare in the general population with a frequency below the threshold expected for the associated phenotype(s). This variant has been observed in one or more individuals affected with the associated recessive disease, as either homozygous or compound heterozygous with a second variant (PMID: 17070050, 18853459, 35175440, 33927379). This variant has been identified in one or more affected individuals with a phenotype highly consistent with the associated gene (PMID: 17070050). Computational prediction algorithms indicate this variant is likely to affect gene or protein function. Given the available evidence, this variant is classified as Likely Pathogenic.

Revvity Omics, Revvity
Classification: Likely pathogenic. Last evaluated: 2024-11-14. Review status: criteria provided, single submitter. Criteria: ACMG Guidelines, 2015. Collection method: clinical testing. Allele origin: germline. Not counted in ClinVar's aggregate classification.

Fulgent Genetics
Classification: Likely pathogenic for Autosomal recessive limb-girdle muscular dystrophy type 2B; Miyoshi muscular dystrophy 1; Distal myopathy with anterior tibial onset. Last evaluated: 2024-04-24. Review status: criteria provided, single submitter. Criteria: ACMG Guidelines, 2015. Collection method: clinical testing. Allele origin: germline. Not counted in ClinVar's aggregate classification.

Baylor Genetics
Classification: Pathogenic for Miyoshi muscular dystrophy 1. Last evaluated: 2024-03-02. Review status: criteria provided, single submitter. Criteria: ACMG Guidelines, 2015. Collection method: clinical testing. Allele origin: unknown. Not counted in ClinVar's aggregate classification.

Women's Health and Genetics/Laboratory Corporation of America, LabCorp
Classification: Pathogenic for Autosomal recessive limb-girdle muscular dystrophy. Last evaluated: 2022-05-18. Review status: criteria provided, single submitter. Criteria: LabCorp Variant Classification Summary - May 2015. Collection method: clinical testing. Allele origin: germline. Not counted in ClinVar's aggregate classification.
Comment: Variant summary: DYSF c.701G>A (p.Gly234Glu) results in a non-conservative amino acid change in the encoded protein sequence. Five of five in-silico tools predict a damaging effect of the variant on protein function. The variant allele was found at a frequency of 3.6e-05 in 251458 control chromosomes. c.701G>A has been reported in the literature in individuals affected with Limb-Girdle Muscular Dystrophy, Autosomal Recessive. These data indicate that the variant is likely to be associated with disease. Three clinical diagnostic laboratories have submitted clinical-significance assessments for this variant to ClinVar after 2014 without evidence for independent evaluation (Pathogenic n=1, likely pathogenic n=1, VUS n=1). Based on the evidence outlined above, the variant was classified as pathogenic.

Eurofins Ntd Llc (ga)
Classification: Likely pathogenic. Last evaluated: 2015-06-03. Review status: criteria provided, single submitter. Criteria: EGL Classification Definitions 2015. Collection method: clinical testing. Allele origin: germline. Observed: 3 variant alleles, 3 heterozygotes. Not counted in ClinVar's aggregate classification.

Counsyl
Classification: Uncertain significance for Autosomal recessive limb-girdle muscular dystrophy type 2B. Last evaluated: 2016-12-28. Review status: no assertion criteria provided. Collection method: clinical testing. Allele origin: unknown. Not counted in ClinVar's aggregate classification.

Literature cited by the submitters: PubMed 17070050 (cited by 4 submitters); PubMed 18853459 (cited by 3 submitters); PubMed 33610434 (cited by Labcorp Genetics (formerly Invitae), Labcorp); PubMed 33927379 (cited by 3 submitters); PubMed 27602406 (cited by Dasa); PubMed 35175440 (cited by Natera, Inc.); PubMed 32528171 (cited by Women's Health and Genetics/Laboratory Corporation of America, LabCorp).